The following is an entry in ClinVar:

ClinVar aggregate classification (germline): Uncertain significance. Review status: criteria provided, multiple submitters, no conflicts (2 of 4 stars). 2 submissions from 2 submitters: Uncertain significance (2). Last evaluated 2023-12-07.

Conditions:
Inborn genetic diseases. Identifiers: MedGen C0950123, MeSH D030342.
Autoimmune lymphoproliferative syndrome type 2B. Also called: AUTOIMMUNE LYMPHOPROLIFERATIVE SYNDROME, TYPE IIB. Identifiers: Orphanet 275517, MedGen C1846545, MONDO:0011804, OMIM 607271.

Allele frequency attached by ClinVar (database versions not stated): TOPMed below 0.00001; gnomAD 0.00001; ExAC 0.00002; gnomAD exomes 0.00002 and 0.00003; 1000 Genomes Project 30x 0.00016; 1000 Genomes Project 0.00020.
gnomAD v4.1: 31 of 1,614,172 alleles (0.0019%); highest among the groups gnomAD compares: South Asian, 0.0088%; no homozygotes.

Submissions (2):

Labcorp Genetics (formerly Invitae), Labcorp
Classification: Uncertain significance for Autoimmune lymphoproliferative syndrome type 2B. Last evaluated: 2023-12-07. Review status: criteria provided, single submitter. Criteria: Invitae Variant Classification Sherloc (09022015). Collection method: clinical testing. Allele origin: germline.
Comment: This sequence change replaces glycine, which is neutral and non-polar, with arginine, which is basic and polar, at codon 367 of the CASP8 protein (p.Gly367Arg). This variant is present in population databases (rs202185417, gnomAD 0.006%). This variant has not been reported in the literature in individuals affected with CASP8-related conditions. ClinVar contains an entry for this variant (Variation ID: 1046657). Advanced modeling of protein sequence and biophysical properties (such as structural, functional, and spatial information, amino acid conservation, physicochemical variation, residue mobility, and thermodynamic stability) performed at Invitae indicates that this missense variant is expected to disrupt CASP8 protein function with a positive predictive value of 80%. In summary, the available evidence is currently insufficient to determine the role of this variant in disease. Therefore, it has been classified as a Variant of Uncertain Significance.

Ambry Genetics
Classification: Uncertain significance for Inborn genetic diseases. Last evaluated: 2022-06-30. Review status: criteria provided, single submitter. Criteria: Ambry Variant Classification Scheme 2023. Collection method: clinical testing. Allele origin: germline.

NM_001372051.1(CASP8):c.1048G>A (p.Gly350Arg)

Gene: CASP8 (caspase 8; plus strand). Cytogenetic location: 2q33.1.
Variant type: single nucleotide variant.
Coding change: c.1048G>A on transcript NM_001372051.1 (MANE Select); coding-DNA position 1048, G replaced by A.
Protein change: p.Gly350Arg; replaces glycine 350 with arginine.
Molecular consequence: missense variant. On other transcripts: non-coding transcript variant (22), intron variant (1).
Genome position (GRCh38, 1-based): chr2:201,285,061, G>A. VCF-style: chr2-201285061-G-A. GRCh37 (hg19) VCF-style: chr2-202149784-G-A.
Other names: c.841G>A, p.Gly281Arg (NM_001400666.1); c.796G>A, p.Gly266Arg (NM_001400667.1, NM_001400668.1); c.739G>A, p.Gly247Arg (NM_001400669.1); c.451G>A, p.Gly151Arg (NM_001400671.1, NM_001400672.1, NM_001400673.1 and 1 more transcripts); c.433G>A, p.Gly145Arg (NM_001400674.1, NM_001400680.1); c.406G>A, p.Gly136Arg (NM_001400675.1, NM_001400676.1, NM_001400677.1 and 2 more transcripts); c.1048G>A, p.Gly350Arg (NM_033355.4, NM_001400648.1, NM_001400651.1 and 5 more transcripts); c.1003G>A, p.Gly335Arg (NM_033356.4, NM_001080124.2, NM_001400658.1 and 5 more transcripts); and 7 more; short protein forms G350R, G367R, G409R, G335R, G136R, G145R, G151R, G247R.
Identifiers: ClinVar variation 1046657 (VCV001046657.8), dbSNP rs202185417, ClinGen allele CA2053744.